The following is an entry in ClinVar:

NM_032436.4(CHAMP1):c.2062dup (p.Glu688fs)

Gene: CHAMP1 (chromosome alignment maintaining phosphoprotein 1; plus strand). Cytogenetic location: 13q34.
Variant type: Duplication.
Coding change: c.2062dup on transcript NM_032436.4 (MANE Select); coding-DNA position 2062, one base duplicated (G; older notation c.2062dupG).
Protein change: p.Glu688fs; shifts the reading frame from glutamic acid 688.
Molecular consequence: frameshift variant.
Genome position (GRCh38, 1-based): chr13:114,325,904, G duplicated. VCF-style (leftmost placement, unchanged base first): chr13-114325903-A-AG. GRCh37 (hg19) VCF-style: chr13-115091378-A-AG.
Other names: c.2062dup, p.Glu688fs (NM_001164144.3, NM_001164145.3); short protein forms E688fs.
Identifiers: ClinVar variation 4813320 (VCV004813320.1).

ClinVar aggregate classification (germline): Likely pathogenic (1 of 4 stars; one submission).

Conditions:
Neurodevelopmental disorder with hypotonia, impaired language, and dysmorphic features. Also called: Intellectual disability, autosomal dominant 40. Identifiers: Orphanet 692193, MedGen C5676894, MONDO:0014699, OMIM 616579.

Submission:

Medical Genetics Laboratory, Aydin Adnan Menderes University
Classification: Likely pathogenic for Neurodevelopmental disorder with hypotonia, impaired language, and dysmorphic features. Last evaluated: 2026-03-03. Review status: criteria provided, single submitter. Criteria: ACMG Guidelines, 2015. Collection method: provider interpretation. Allele origin: de novo. Inheritance: Autosomal dominant inheritance. Affected: yes. Observed: 1 variant allele, 1 heterozygote.
Comment: According to the ACMG/AMP 2015 guidelines, the variant NM_032436.4(CHAMP1):c.2062dup; (p.Glu688Glyfs*8) introduces a premature termination codon predicted to result in loss of function of the CHAMP1 protein, a known disease mechanism for CHAMP1-related neurodevelopmental disorder (PVS1_Strong). The variant is absent from large population databases including gnomAD (PM2_Supporting). Based on the combination of these criteria (PVS1_Strong, PM2_Supporting, PM6_Moderate), the variant was classified as likely pathogenic.

Literature cited by the submitters: PMC PMC4564986.